The following is an entry in ClinVar:

NM_004463.3(FGD1):c.2168G>C (p.Arg723Pro)

Gene: FGD1 (FYVE, RhoGEF and PH domain containing 1; minus strand). Cytogenetic location: Xp11.22.
Variant type: single nucleotide variant.
Coding change: c.2168G>C on transcript NM_004463.3 (MANE Select); coding-DNA position 2168, G replaced by C.
Protein change: p.Arg723Pro; replaces arginine 723 with proline.
Molecular consequence: missense variant.
Genome position (GRCh38, 1-based): chrX:54,449,249, C>G on the plus strand (G>C on the coding strand, the complement: FGD1 is on the minus strand). VCF-style: chrX-54449249-C-G. GRCh37 (hg19) VCF-style: chrX-54475682-C-G.
Other names: short protein forms R723P.
Identifiers: ClinVar variation 5018168 (VCV005018168.1).

ClinVar aggregate classification (germline): Uncertain significance (1 of 4 stars; one submission).

Submission:

GeneDx
Classification: Uncertain significance. Last evaluated: 2026-04-02. Review status: criteria provided, single submitter. Criteria: GeneDx Variant Classification Process June 2021. Collection method: clinical testing. Allele origin: germline.
Comment: Has not been previously published as pathogenic or benign to our knowledge; Not observed at significant frequency in large population cohorts (gnomAD); In silico analysis supports that this missense variant has a deleterious effect on protein structure/function